The following is an entry in ClinVar:

NM_002907.4(RECQL):c.1099G>A (p.Val367Ile)

Gene: RECQL (RecQ like helicase; minus strand). Cytogenetic location: 12p12.1.
Variant type: single nucleotide variant.
Coding change: c.1099G>A on transcript NM_002907.4 (MANE Select); coding-DNA position 1099, G replaced by A.
Protein change: p.Val367Ile; replaces valine 367 with isoleucine.
Molecular consequence: missense variant.
Genome position (GRCh38, 1-based): chr12:21,475,585, C>T on the plus strand (G>A on the coding strand, the complement: RECQL is on the minus strand). VCF-style: chr12-21475585-C-T. GRCh37 (hg19) VCF-style: chr12-21628519-C-T.
Other names: c.1099G>A, p.Val367Ile (NM_032941.3); short protein forms V367I.
Identifiers: ClinVar variation 1791572 (VCV001791572.2), dbSNP rs2137338692, ClinGen allele CA384120952.

ClinVar aggregate classification (germline): Uncertain significance (1 of 4 stars; one submission).

Submission:

Ambry Genetics
Classification: Uncertain significance. Last evaluated: 2020-11-05. Review status: criteria provided, single submitter. Criteria: Ambry Variant Classification Scheme 2023. Collection method: clinical testing. Allele origin: germline.
Comment: The p.V367I variant (also known as c.1099G>A) is located in coding exon 9 of the RECQL gene. The valine at codon 367 is replaced by isoleucine, an amino acid with highly similar properties. This change occurs in the first base pair of coding exon 9. This amino acid position is highly conserved in available vertebrate species. In addition, this alteration is predicted to be tolerated by in silico analysis. Since supporting evidence is limited at this time, the clinical significance of this alteration remains unclear.